The following is an entry in ClinVar:

NM_000321.3(RB1):c.534C>G (p.Ser178Arg)

Gene: RB1 (RB transcriptional corepressor 1; plus strand). Cytogenetic location: 13q14.2.
Variant type: single nucleotide variant.
Coding change: c.534C>G on transcript NM_000321.3 (MANE Select); coding-DNA position 534, C replaced by G.
Protein change: p.Ser178Arg; replaces serine 178 with arginine.
Molecular consequence: missense variant.
Genome position (GRCh38, 1-based): chr13:48,347,858, C>G. VCF-style: chr13-48347858-C-G. GRCh37 (hg19) VCF-style: chr13-48921994-C-G.
Other names: c.534C>G, p.Ser178Arg (NM_001407165.1, NM_001407166.1); short protein forms S178R.
Identifiers: ClinVar variation 2820107 (VCV002820107.4), dbSNP rs2138091716, ClinGen allele CA388156852.

ClinVar aggregate classification (germline): Uncertain significance. Review status: criteria provided, multiple submitters, no conflicts (2 of 4 stars). 2 submissions from 2 submitters: Uncertain significance (2). Last evaluated 2023-10-30.

Conditions:
Hereditary cancer-predisposing syndrome. Also called: Neoplastic Syndromes, Hereditary; Tumor predisposition; Hereditary Cancer Syndrome; Hereditary neoplastic syndrome. Identifiers: Orphanet 140162, MedGen C0027672, MeSH D009386, MONDO:0015356.
Retinoblastoma (RB1). Also called: RETINOBLASTOMA, SOMATIC. Identifiers: Orphanet 790, MedGen C0035335, MeSH D012175, MONDO:0008380, OMIM 180200, HP:0009919. Disease mechanism: loss of function. Inheritance: Both sporadic and heritable forms are tested..

Submissions (2):

Ambry Genetics
Classification: Uncertain significance for Hereditary cancer-predisposing syndrome. Last evaluated: 2023-10-30. Review status: criteria provided, single submitter. Criteria: Ambry Variant Classification Scheme 2023. Collection method: clinical testing. Allele origin: germline.
Comment: The p.S178R variant (also known as c.534C>G), located in coding exon 5 of the RB1 gene, results from a C to G substitution at nucleotide position 534. The serine at codon 178 is replaced by arginine, an amino acid with dissimilar properties. This amino acid position is well conserved in available vertebrate species. In addition, this alteration is predicted to be tolerated by in silico analysis. Since supporting evidence is limited at this time, the clinical significance of this alteration remains unclear.

Labcorp Genetics (formerly Invitae), Labcorp
Classification: Uncertain significance for Retinoblastoma. Last evaluated: 2022-12-11. Review status: criteria provided, single submitter. Criteria: Invitae Variant Classification Sherloc (09022015). Collection method: clinical testing. Allele origin: germline.
Comment: In summary, the available evidence is currently insufficient to determine the role of this variant in disease. Therefore, it has been classified as a Variant of Uncertain Significance. Advanced modeling of protein sequence and biophysical properties (such as structural, functional, and spatial information, amino acid conservation, physicochemical variation, residue mobility, and thermodynamic stability) performed at Invitae indicates that this missense variant is not expected to disrupt RB1 protein function. This variant has not been reported in the literature in individuals affected with RB1-related conditions. This variant is not present in population databases (gnomAD no frequency). This sequence change replaces serine, which is neutral and polar, with arginine, which is basic and polar, at codon 178 of the RB1 protein (p.Ser178Arg).